The following is an entry in ClinVar:

ClinVar aggregate classification (germline): Uncertain significance. Review status: criteria provided, multiple submitters, no conflicts (2 of 4 stars). 2 submissions from 2 submitters: Uncertain significance (2). Last evaluated 2023-12-14.

Conditions:
Inborn genetic diseases. Identifiers: MedGen C0950123, MeSH D030342.

Allele frequency attached by ClinVar (database versions not stated): ExAC 0.00001; gnomAD 0.00001; TOPMed 0.00002; gnomAD exomes 0.00003.
gnomAD v4.1: 42 of 1,613,972 alleles (0.0026%); highest among the groups gnomAD compares: Non-Finnish European, 0.0033%; no homozygotes.

Submissions (2):

Ambry Genetics
Classification: Uncertain significance for Inborn genetic diseases. Last evaluated: 2023-12-14. Review status: criteria provided, single submitter. Criteria: Ambry Variant Classification Scheme 2023. Collection method: clinical testing. Allele origin: germline.

Labcorp Genetics (formerly Invitae), Labcorp
Classification: Uncertain significance. Last evaluated: 2022-02-03. Review status: criteria provided, single submitter. Criteria: Invitae Variant Classification Sherloc (09022015). Collection method: clinical testing. Allele origin: germline.
Comment: In summary, the available evidence is currently insufficient to determine the role of this variant in disease. Therefore, it has been classified as a Variant of Uncertain Significance. Algorithms developed to predict the effect of missense changes on protein structure and function output the following: SIFT: "Deleterious"; PolyPhen-2: "Probably Damaging"; Align-GVGD: "Class C55". The serine amino acid residue is found in multiple mammalian species, which suggests that this missense change does not adversely affect protein function. This variant has not been reported in the literature in individuals affected with NLRP1-related conditions. This variant is present in population databases (rs200830914, gnomAD 0.004%). This sequence change replaces glycine, which is neutral and non-polar, with serine, which is neutral and polar, at codon 676 of the NLRP1 protein (p.Gly676Ser).

NM_033004.4(NLRP1):c.2026G>A (p.Gly676Ser)

Gene: NLRP1 (NLR family pyrin domain containing 1; minus strand). Cytogenetic location: 17p13.2.
Variant type: single nucleotide variant.
Coding change: c.2026G>A on transcript NM_033004.4 (MANE Select); coding-DNA position 2026, G replaced by A.
Protein change: p.Gly676Ser; replaces glycine 676 with serine.
Molecular consequence: missense variant.
Genome position (GRCh38, 1-based): chr17:5,558,670, C>T on the plus strand (G>A on the coding strand, the complement: NLRP1 is on the minus strand). VCF-style: chr17-5558670-C-T. GRCh37 (hg19) VCF-style: chr17-5461990-C-T.
Other names: c.2026G>A, p.Gly676Ser (NM_001033053.3, NM_014922.5, NM_033006.4 and 1 more transcripts); c.2026G>A (NM_033004.3); short protein forms G676S.
Identifiers: ClinVar variation 1447580 (VCV001447580.9), dbSNP rs200830914, ClinGen allele CA8327276.